The following is an entry in ClinVar:

ClinVar aggregate classification (germline): Pathogenic. Review status: reviewed by expert panel (3 of 4 stars). 18 submissions from 17 submitters: Pathogenic (1). 17 of the submissions do not count toward it. Last evaluated 2024-08-13.

Conditions:
VWF-related disorder. Also called: VWF-related disorders; VWF-related condition.
von Willebrand disease type 2 (VWD2). Also called: VWD, TYPE 2; VON WILLEBRAND DISEASE, TYPE 2A/IIE; VON WILLEBRAND DISEASE, TYPE 2CB; VON WILLEBRAND DISEASE, TYPE II. Identifiers: Orphanet 166081, Orphanet 903, MedGen C1264040, MONDO:0013304, OMIM 613554.
von Willebrand disease type 1 (VWD1). Also called: VWD, TYPE 1; VON WILLEBRAND DISEASE, TYPE I. Identifiers: Orphanet 166078, Orphanet 903, MedGen C1264039, MONDO:0008668, OMIM 193400. Inheritance: autosomal recessive or autosomal dominant.
von Willebrand disease type 3 (VWD3). Also called: Type 3 Von Willebrand's disease; Type 3 VWD; Von Willebrand disease, severe form; V WD3; VON WILLEBRAND DISEASE, TYPE III. Identifiers: Orphanet 166096, MedGen C1264041, MONDO:0010191, OMIM 277480.
Hereditary von Willebrand disease. Identifiers: Orphanet 903, MedGen C5703318, MONDO:0019565. Inheritance: Autosomal recessive or Autosomal dominant.
Von Willebrand disease type 2B. Identifiers: Orphanet 166087, MedGen C1282971, MONDO:0015629.

Submissions 1 to 6 of 18:

ClinGen von Willebrand Disease Variant Curation Expert Panel, ClinGen
Classification: Pathogenic for Von Willebrand disease type 2B. Last evaluated: 2024-08-13. Review status: reviewed by expert panel. Criteria: ClinGen VWD 2A B M Rules. Collection method: curation. Allele origin: germline. Inheritance: Autosomal dominant inheritance.
Comment: The NM_000552.5(VWF):c.3946G>A variant in VWF is a missense variant predicted to cause substitution of valine by methionine at amino acid 1316. This variant is absent from gnomADv4.1 (PM2_Supporting). This variant has been reported in at least 9 probands showing excessive mucocutaneous bleeding as well as a laboratory phenotype of loss of high molecular weight multimers and/or enhanced platelet aggregation at low doses of ristocetin (PS4_VeryStrong, PMID: 19060241, PMID: 27885890, PMID: 28640903). At least 1 patient showed excessive mucocutaneous bleeding, loss of high molecular weight multimers, and enhanced platelet aggregation at low doses of ristocetin, which together are specific for VWD type 2B, along with consistent features of thrombocytopenia and low VWF antigen/activity ratio (PP4_Moderate, PMID: 28640903). Two additional affected patients harbored the variant in an apparent de novo heterozygous state (PS2_Moderate, PMID: 7909449, PMID: 2010538). The variant has been reported to segregate with VWD type 2B through 3 affected meioses from 1 family (PP1; PMID: 19060241). The computational predictor REVEL gives a score of 0.74, which is above the ClinGen VWD VCEP threshold of >0.644 and predicts a damaging effect on VWF function (PP3). A knock-in mouse model expressing VWF p.Val1316Met has shown prolonged bleeding time, absence of high-MW multimers, large platelet aggregates, decreased in vitro platelet adhesion to thrombin or collagen, and enhanced in vivo VWF/platelet string formation, indicating that this variant has a damaging effect on protein function that is consistent with phenotypes of VWD Type 2B (PMID: 27212476, PS3). In summary, this variant meets the criteria to be classified as Pathogenic for von Willebrand disease type 2A. ACMG/AMP criteria applied as specified by the ClinGen von Willebrand disease Variant Curation Expert Panel: PS3, PS4_VeryStrong, PP4_Moderate, PS2_Moderate, PP1, PP3, PM2_Supporting.

GeneDx
Classification: Pathogenic. Last evaluated: 2025-04-11. Review status: criteria provided, single submitter. Criteria: GeneDx Variant Classification Process June 2021. Collection method: clinical testing. Allele origin: germline. Affected: yes. Not counted in ClinVar's aggregate classification.
Comment: Not observed at significant frequency in large population cohorts (gnomAD); In silico analysis indicates that this missense variant does not alter protein structure/function; Also known as p.(V553M); This variant is associated with the following publications: (PMID: 31064749, 25077350, 27385556, 27885890, 19060241, 16702040, 27734030, 30817071, 1729889, 33556167, 1672694, 11475150, 34942660, 28640903, 7909449, 35142156, 37735203, 29326120, 31628947, 27670775, 29925524, 37872709, 10845912, 20371742, 24337418, 20838735, 26456374, 28060120, 24270421, 25185554, 25728415, 26645283, 30819911, 8547152, 31939074, 36580664, 27212476, 32618441, 2010538)

PreventionGenetics, part of Exact Sciences
Classification: Pathogenic for VWF-related condition. Last evaluated: 2025-03-11. Review status: criteria provided, single submitter. Criteria: ACMG Guidelines, 2015. Collection method: clinical testing. Allele origin: germline. Not counted in ClinVar's aggregate classification.
Comment: The VWF c.3946G>A variant is predicted to result in the amino acid substitution p.Val1316Met. This variant has been reported previously to be causative for von Willebrand Disease Type 2B and has been shown to alter VWF function and platelet aggregation (see, for example: reported as Val553Met, Randi et al. 1991. PubMed ID: 2010538; reported as Val553Met, Cooney et al. 1991. PubMed ID: 1672694; Jackson et al. 2009. PubMed ID: 19060241; Federici et al. 2009. PubMed ID: 18805962; Langer et al. 2014. PubMed ID: 24337418). Of note, this variant segregated with autosomal dominant disease in at least one family (Jackson et al. 2009. PubMed ID: 19060241) and has also been reported to occur de novo (Randi et al. 1991. PubMed ID: 2010538). This variant has not been reported in a large population database (gnomAD), indicating this variant is rare. This finding is consistent with a diagnosis of autosomal dominant von Willebrand Disease Type 2B.

Quest Diagnostics Nichols Institute San Juan Capistrano
Classification: Pathogenic. Last evaluated: 2025-03-03. Review status: criteria provided, single submitter. Criteria: Quest Diagnostics criteria. Collection method: clinical testing. Allele origin: unknown. Not counted in ClinVar's aggregate classification.
Comment: The VWF c.3946G>A (p.Val1316Met) variant has been reported in the published literature in multiple individuals and families affected with Type 2B von Willebrand Disease (vWD) (PMID: 18805962 (2009), 19060241 (2009), 27885890 (2017), 28060120 (2017)), including an individual where the variant appears to occur de novo (PMID: 2010538 (1991)). Assessment of experimental evidence suggests this variant results in a damaging effect on protein function that is consistent with the phenotype associated with Type 2B VWD (PMID: 27212476 (2016)). This variant has not been reported in large, multi-ethnic general populations (Genome Aggregation Database). Analysis of this variant using bioinformatics tools for the prediction of the effect of amino acid changes on protein structure and function yielded predictions that this variant is damaging. Based on the available information, this variant is classified as pathogenic.

Mayo Clinic Laboratories, Mayo Clinic
Classification: Pathogenic. Last evaluated: 2024-12-23. Review status: criteria provided, single submitter. Criteria: ACMG Guidelines, 2015. Collection method: clinical testing. Allele origin: germline. Observed: 5 variant alleles. Not counted in ClinVar's aggregate classification.
Comment: PP1_strong, PP3, PM2_supporting, PS2, PS3

ARUP Laboratories, Molecular Genetics and Genomics, ARUP Laboratories
Classification: Pathogenic. Last evaluated: 2024-05-01. Review status: criteria provided, single submitter. Criteria: ARUP Molecular Germline Variant Investigation Process 2024. Collection method: clinical testing. Allele origin: germline. Not counted in ClinVar's aggregate classification.
Comment: The VWF c.3946G>A; p.Val1316Met variant (rs61749397), also known in traditional nomenclature as p.Val553Met, is described in the literature in individuals and families with von Willebrand disease type 2B (Casana 1998, Federici 2009, Goodeve 2010, Jackson 2009, Randi 1991). This variant been described in at least one family to segregate with disease with autosomal dominant inheritance (Jackson 2009) and has also been found to occur de novo (Randi 1990). This variant is pathogenic by several laboratories in ClinVar (Variation ID: 290) and is absent from the Genome Aggregation Database, indicating it is not a common polymorphism. Computational analyses predict that this variant is deleterious (REVEL: 0.74). Further, a mouse model expressing the p.Val1316Met variant exhibits similar physiological symptoms as human patients with this variant, including increased bleeding, reduced platelet aggregation, and macrothrombocytopenia (Adam 2016,Kauskot 2016). Based on available information, the p.Val1316Met variant is considered to be pathogenic. References: Adam F et al. A genetically-engineered von Willebrand disease type 2B mouse model displays defects in hemostasis and inflammation. Sci Rep. 2016 May 23;6:26306. PMID: 27212476. Casana P et al. Search for mutations in a segment of the exon 28 of the human von Willebrand factor gene: new mutations, R1315C and R1341W, associated with type 2M and 2B variants. Am J Hematol. 1998 Sep;59(1):57-63. PMID: 9723578. Federici AB et al. Clinical and molecular predictors of thrombocytopenia and risk of bleeding in patients with von Willebrand disease type 2B: a cohort study of 67 patients. Blood. 2009 Jan 15;113(3):526-34. PMID: 18805962. Goodeve AC. The genetic basis of von Willebrand disease. Blood Rev. 2010 May;24(3):123-34. PMID: 20409624. Jackson SC et al. The Montreal platelet syndrome kindred has type 2B von Willebrand disease with the VWF V1316M mutation. Blood. 2009 Apr 2;113(14):3348-51. PMID: 19060241. Kauskot A et al. LIM kinase/cofilin dysregulation promotes macrothrombocytopenia in severe von Willebrand disease-type 2B. JCI Insight. 2016 Oct 6;1(16):e88643. PMID: 27734030. Randi AM et al. Molecular basis of von Willebrand disease type IIB. Candidate mutations cluster in one disulfide loop between proposed platelet glycoprotein Ib binding sequences. J Clin Invest. 1991 Apr;87(4):1220-6. PMID: 2010538.

NM_000552.5(VWF):c.3946G>A (p.Val1316Met)

Gene: VWF (von Willebrand factor; minus strand). Cytogenetic location: 12p13.31.
Variant type: single nucleotide variant.
Coding change: c.3946G>A on transcript NM_000552.5 (MANE Select); coding-DNA position 3946, G replaced by A.
Protein change: p.Val1316Met; replaces valine 1316 with methionine.
Molecular consequence: missense variant.
Genome position (GRCh38, 1-based): chr12:6,019,472, C>T on the plus strand (G>A on the coding strand, the complement: VWF is on the minus strand). VCF-style: chr12-6019472-C-T. GRCh37 (hg19) VCF-style: chr12-6128638-C-T.
Other names: NM_000552.5(VWF):c.3946G>A; short protein forms V1316M.
Identifiers: ClinVar variation 290 (VCV000000290.61), dbSNP rs61749397, ClinGen allele CA114127.